The following is an entry in ClinVar:

ClinVar aggregate classification (germline): Benign/Likely benign. Review status: criteria provided, single submitter (1 of 4 stars). 3 submissions from 1 submitter: Benign (2); Likely benign (1). Last evaluated 2018-01-12.

Conditions:
LEOPARD syndrome 1 (LPRD1). Also called: LENTIGINOSIS, CARDIOMYOPATHIC; MULTIPLE LENTIGINES SYNDROME; PTPN11-Related LEOPARD Syndrome. Identifiers: Orphanet 500, MedGen C4551484, MONDO:0100082, OMIM 151100.
Metachondromatosis (METCDS). Identifiers: Orphanet 2499, MedGen C0410530, MONDO:0007979, OMIM 156250.
Noonan syndrome 1 (NS1). Also called: TURNER PHENOTYPE WITH NORMAL KARYOTYPE; FEMALE PSEUDO-TURNER SYNDROME; PTPN11-Related Noonan Syndrome. Identifiers: Orphanet 648, MedGen C4551602, MONDO:0008104, OMIM 163950. Disease mechanism: gain of function.

Allele frequency attached by ClinVar (database versions not stated): gnomAD 0.00185 and 0.00193; 1000 Genomes Project 30x 0.00203; 1000 Genomes Project 0.00220; TOPMed 0.00233.

Submissions (3):

Illumina Laboratory Services, Illumina
Classification: Benign for LEOPARD syndrome 1. Last evaluated: 2018-01-12. Review status: criteria provided, single submitter. Criteria: ICSL Variant Classification Criteria 13 December 2019. Collection method: clinical testing. Allele origin: germline.
Comment: This variant was observed in the ICSL laboratory as part of a predisposition screen in an ostensibly healthy population. It had not been previously curated by ICSL or reported in the Human Gene Mutation Database (HGMD: prior to June 1st, 2018), and was therefore a candidate for classification through an automated scoring system. Utilizing variant allele frequency, disease prevalence and penetrance estimates, and inheritance mode, an automated score was calculated to assess if this variant is too frequent to cause the disease. Based on the score and internal cut-off values, a variant classified as benign is not then subjected to further curation. The score for this variant resulted in a classification of benign for this disease.

Illumina Laboratory Services, Illumina
Classification: Benign for Metachondromatosis. Last evaluated: 2018-01-12. Review status: criteria provided, single submitter. Criteria: ICSL Variant Classification Criteria 13 December 2019. Collection method: clinical testing. Allele origin: germline.
Comment: the same text as in the submission from Illumina Laboratory Services, Illumina above.

Illumina Laboratory Services, Illumina
Classification: Likely benign for Noonan syndrome 1. Last evaluated: 2018-01-12. Review status: criteria provided, single submitter. Criteria: ICSL Variant Classification Criteria 13 December 2019. Collection method: clinical testing. Allele origin: germline.
Comment: This variant was observed in the ICSL laboratory as part of a predisposition screen in an ostensibly healthy population. It had not been previously curated by ICSL or reported in the Human Gene Mutation Database (HGMD: prior to June 1st, 2018), and was therefore a candidate for classification through an automated scoring system. Utilizing variant allele frequency, disease prevalence and penetrance estimates, and inheritance mode, an automated score was calculated to assess if this variant is too frequent to cause the disease. Based on the score and internal cut-off values, a variant classified as likely benign is not then subjected to further curation. The score for this variant resulted in a classification of likely benign for this disease.

NM_002834.5(PTPN11):c.*2078G>A

Gene: PTPN11 (protein tyrosine phosphatase non-receptor type 11; plus strand). Cytogenetic location: 12q24.13.
Variant type: single nucleotide variant.
Coding change: c.*2078G>A on transcript NM_002834.5 (MANE Select); 2078 bases downstream of the stop codon, G replaced by A.
Molecular consequence: 3 prime UTR variant.
Genome position (GRCh38, 1-based): chr12:112,507,870, G>A. VCF-style: chr12-112507870-G-A. GRCh37 (hg19) VCF-style: chr12-112945674-G-A.
Other names: c.*2078G>A (NM_001330437.2, NM_001374625.1).
Identifiers: ClinVar variation 881086 (VCV000881086.4), dbSNP rs144513512, ClinGen allele CA243727274.